The following is an entry in ClinVar:

NC_000002.11:g.(?_227942611)_(227942793_?)del

Gene: COL4A4 (collagen type IV alpha 4 chain; minus strand). Cytogenetic location: 2q36.3.
Variant type: Deletion.
Identifiers: ClinVar variation 3252020 (VCV003252020.1).

ClinVar aggregate classification (germline): Pathogenic (0 of 4 stars; one submission).

Conditions:
Autosomal dominant Alport syndrome (ATS3A). Also called: Alport syndrome dominant type; Renal failure and sensorineural hearing loss; ALPORT SYNDROME 3A, AUTOSOMAL DOMINANT. Identifiers: Orphanet 63, Orphanet 88918, MedGen C5882663, MONDO:0007086, OMIM 104200.

Submission:

Department of Traditional Chinese Medicine, Fujian Provincial Hospital
Classification: Pathogenic for Autosomal dominant Alport syndrome. Review status: no assertion criteria provided. Collection method: research. Allele origin: inherited.

Literature cited by the submitters: DOI 10.1016/j.ekir.2022.06.001.